The following is an entry in ClinVar:

NM_007294.4(BRCA1):c.16C>G (p.Leu6Val)

Gene: BRCA1 (BRCA1 DNA repair associated; minus strand). Cytogenetic location: 17q21.31.
Variant type: single nucleotide variant.
Coding change: c.16C>G on transcript NM_007294.4 (MANE Select); coding-DNA position 16, C replaced by G.
Protein change: p.Leu6Val; replaces leucine 6 with valine.
Molecular consequence: missense variant. On other transcripts: 5 prime UTR variant (1), non-coding transcript variant (1).
Genome position (GRCh38, 1-based): chr17:43,124,081, G>C on the plus strand (C>G on the coding strand, the complement: BRCA1 is on the minus strand). VCF-style: chr17-43124081-G-C. GRCh37 (hg19) VCF-style: chr17-41276098-G-C.
Other names: c.16C>G, p.Leu6Val (NM_001408411.1, NM_001408412.1, NM_001408413.1 and 193 more transcripts); c.-245C>G (NM_001408452.1, NM_001408462.1, NM_001408463.1 and 22 more transcripts); c.-72C>G (NM_001408454.1, NM_001408459.1, NM_001408460.1 and 23 more transcripts); c.-242C>G (NM_001408455.1, NM_001408456.1, NM_001408468.1 and 11 more transcripts); c.-246C>G (NM_001408465.1, NM_001407695.1); c.-173C>G (NM_001408478.1, NM_001408479.1, NM_001408480.1 and 46 more transcripts); c.-318C>G (NM_001408482.1); c.-289C>G (NM_001408492.1, NM_001407889.1); and 8 more; short protein forms L6V.
Identifiers: ClinVar variation 868697 (VCV000868697.4), dbSNP rs1315262605, ClinGen allele CA10602128.
Genomic context (GRCh38, chr17:43,124,081, plus strand): 5'-TGGGACACTCTAAGATTTTCTGCATAGCATTAATGACATTTTGTACTTCTTCAACGCGAA[G>C]AGCAGATAAATCCATTTCTTTCTGTTCCAATGAACTTTAACACATTAGAAAAACATATAT-3'
Protein context (NP_009225.1, residues 1-16): MDLSA[Leu6Val]RVEEVQNVIN

ClinVar aggregate classification (germline): Uncertain significance (1 of 4 stars; one submission).

Conditions:
Breast-ovarian cancer, familial, susceptibility to, 1 (BROVCA1). Also called: BRCA1 Hereditary Breast and Ovarian Cancer; OVARIAN CANCER, SUSCEPTIBILITY TO. Identifiers: Orphanet 145, MedGen C2676676, MONDO:0011450, OMIM 604370. Disease mechanism: loss of function.
Fanconi anemia, complementation group S (FANCS). Identifiers: MedGen C4554406, MONDO:0054748, OMIM 617883.
Familial cancer of breast. Also called: BREAST CANCER, FAMILIAL; Hereditary breast cancer; hereditary breast carcinoma. Identifiers: Orphanet 227535, MedGen C0346153, MONDO:0016419, OMIM 114480. Disease mechanism: loss of function.

Submissions (2):

Department of Pathology and Laboratory Medicine, Sinai Health System
Classification: Uncertain significance for Familial cancer of breast; Breast-ovarian cancer, familial, susceptibility to, 1; Fanconi anemia, complementation group S. Last evaluated: 2023-09-29. Review status: criteria provided, single submitter. Criteria: ACMG Guidelines, 2015. Collection method: clinical testing. Allele origin: germline. Affected: yes.

Brotman Baty Institute, University of Washington
No classification provided (evidence only). Condition: Breast-ovarian cancer, familial 1. Review status: no classification provided. Collection method: in vitro. Allele origin: not applicable. Functional consequence: functionally_normal. Not counted in ClinVar's aggregate classification.
ClinVar note: "not provided" was previously submitted as the classification for the variant. However, the classification appeared to be based only on an observation of functional data so it was converted to no classification on 2025-07-30.